The following is an entry in ClinVar:

NM_015102.5(NPHP4):c.1119T>G (p.Asn373Lys)

Gene: NPHP4 (nephrocystin 4; minus strand). Cytogenetic location: 1p36.31.
Variant type: single nucleotide variant.
Coding change: c.1119T>G on transcript NM_015102.5 (MANE Select); coding-DNA position 1119, T replaced by G.
Protein change: p.Asn373Lys; replaces asparagine 373 with lysine.
Molecular consequence: missense variant. On other transcripts: 5 prime UTR variant (2), non-coding transcript variant (1).
Genome position (GRCh38, 1-based): chr1:5,947,104, A>C on the plus strand (T>G on the coding strand, the complement: NPHP4 is on the minus strand). VCF-style: chr1-5947104-A-C. GRCh37 (hg19) VCF-style: chr1-6007164-A-C.
Other names: c.-248T>G (NM_001291593.2, NM_001291594.2); short protein forms N373K.
Identifiers: ClinVar variation 2152228 (VCV002152228.4), dbSNP rs957523362, ClinGen allele CA338063597.

ClinVar aggregate classification (germline): Uncertain significance (1 of 4 stars; one submission).

Conditions:
Nephronophthisis. Also called: Juvenile Nephronophthisis. Identifiers: Orphanet 655, MedGen C0687120, MONDO:0019005, HP:0000090.

gnomAD v4.1: 5 of 1,613,876 alleles (0.00031%); highest among the groups gnomAD compares: African/African-American, 0.0067%; no homozygotes.

Submission:

Labcorp Genetics (formerly Invitae), Labcorp
Classification: Uncertain significance for Nephronophthisis. Last evaluated: 2025-06-12. Review status: criteria provided, single submitter. Criteria: Invitae Variant Classification Sherloc (09022015). Collection method: clinical testing. Allele origin: germline.
Comment: This sequence change replaces asparagine, which is neutral and polar, with lysine, which is basic and polar, at codon 373 of the NPHP4 protein (p.Asn373Lys). This variant is not present in population databases (gnomAD no frequency). This variant has not been reported in the literature in individuals affected with NPHP4-related conditions. ClinVar contains an entry for this variant (Variation ID: 2152228). An algorithm developed to predict the effect of missense changes on protein structure and function outputs the following: PolyPhen-2: "Benign". The lysine amino acid residue is found in multiple mammalian species, which suggests that this missense change does not adversely affect protein function. In summary, the available evidence is currently insufficient to determine the role of this variant in disease. Therefore, it has been classified as a Variant of Uncertain Significance.